The following is an entry in ClinVar:

ClinVar aggregate classification (germline): Likely benign. Review status: criteria provided, multiple submitters, no conflicts (2 of 4 stars). 3 submissions from 3 submitters: Likely benign (2). 1 of the submissions does not count toward it. Last evaluated 2024-10-08.

Conditions:
Inborn genetic diseases. Identifiers: MedGen C0950123, MeSH D030342.
TRIO-related disorder. Also called: TRIO-related condition; TRIO-related disorders.

Allele frequency attached by ClinVar (database versions not stated): gnomAD exomes 0.00006; ExAC 0.00010; TOPMed 0.00023; 1000 Genomes Project 30x 0.00031; 1000 Genomes Project 0.00040; ESP Exome Variant Server 0.00054.
gnomAD v4.1: 36 of 1,613,780 alleles (0.0022%); highest among the groups gnomAD compares: African/African-American, 0.044%; no homozygotes.

Submissions (3):

Ambry Genetics
Classification: Likely benign for Inborn genetic diseases. Last evaluated: 2024-10-08. Review status: criteria provided, single submitter. Criteria: Ambry Variant Classification Scheme 2023. Collection method: clinical testing. Allele origin: germline.

GeneDx
Classification: Likely benign. Last evaluated: 2021-11-14. Review status: criteria provided, single submitter. Criteria: GeneDx Variant Classification Process June 2021. Collection method: clinical testing. Allele origin: germline. Affected: yes.
Comment: See Variant Classification Assertion Criteria.

PreventionGenetics, part of Exact Sciences
Classification: Likely benign for TRIO-related condition. Last evaluated: 2024-07-25. Review status: no assertion criteria provided. Collection method: clinical testing. Allele origin: germline. Not counted in ClinVar's aggregate classification.
Comment: This variant is classified as likely benign based on ACMG/AMP sequence variant interpretation guidelines (Richards et al. 2015 PMID: 25741868, with internal and published modifications).

NM_007118.4(TRIO):c.7864C>A (p.Pro2622Thr)

Gene: TRIO (trio Rho guanine nucleotide exchange factor; plus strand). Cytogenetic location: 5p15.2.
Variant type: single nucleotide variant.
Coding change: c.7864C>A on transcript NM_007118.4 (MANE Select); coding-DNA position 7864, C replaced by A.
Protein change: p.Pro2622Thr; replaces proline 2622 with threonine.
Molecular consequence: missense variant. On other transcripts: non-coding transcript variant (1).
Genome position (GRCh38, 1-based): chr5:14,492,798, C>A. VCF-style: chr5-14492798-C-A. GRCh37 (hg19) VCF-style: chr5-14492907-C-A.
Other names: c.7864C>A (NM_007118.3); short protein forms P2622T.
Identifiers: ClinVar variation 1684128 (VCV001684128.4), dbSNP rs146525516, ClinGen allele CA3207629.
Genomic context (GRCh38, chr5:14,492,798, plus strand): 5'-GCTGAGGGCTGGATTCCAGGCTTTGTCCTGGGCCACACCAGTGCAGTCATCGTGGAGAAC[C>A]CGGACGGGACTCTCAAGTGAGTGCTTGACAGTAACGGCGTCCTGGCAGGCAGCAGAGGGA-3'
Protein context (NP_009049.2, residues 2612-2632): GHTSAVIVEN[Pro2622Thr]DGTLKKSTSW